The following is an entry in ClinVar:

ClinVar aggregate classification (germline): Uncertain significance (1 of 4 stars; one submission).

gnomAD v4.1: 5 of 1,614,190 alleles (0.00031%); highest among the groups gnomAD compares: Non-Finnish European, 0.00034%; no homozygotes.

Submission:

Labcorp Genetics (formerly Invitae), Labcorp
Classification: Uncertain significance. Last evaluated: 2025-03-31. Review status: criteria provided, single submitter. Criteria: Invitae Variant Classification Sherloc (09022015). Collection method: clinical testing. Allele origin: germline.
Comment: This sequence change replaces asparagine, which is neutral and polar, with isoleucine, which is neutral and non-polar, at codon 145 of the WDR11 protein (p.Asn145Ile). This variant is present in population databases (rs752046727, gnomAD 0.002%). This variant has not been reported in the literature in individuals affected with WDR11-related conditions. An algorithm developed to predict the effect of missense changes on protein structure and function (PolyPhen-2) suggests that this variant is likely to be disruptive. In summary, the available evidence is currently insufficient to determine the role of this variant in disease. Therefore, it has been classified as a Variant of Uncertain Significance.

NM_018117.12(WDR11):c.434A>T (p.Asn145Ile)

Gene: WDR11 (WD repeat domain 11; plus strand). Cytogenetic location: 10q26.12.
Variant type: single nucleotide variant.
Coding change: c.434A>T on transcript NM_018117.12 (MANE Select); coding-DNA position 434, A replaced by T.
Protein change: p.Asn145Ile; replaces asparagine 145 with isoleucine.
Molecular consequence: missense variant.
Genome position (GRCh38, 1-based): chr10:120,860,190, A>T. VCF-style: chr10-120860190-A-T. GRCh37 (hg19) VCF-style: chr10-122619702-A-T.
Other names: short protein forms N145I.
Identifiers: ClinVar variation 3674931 (VCV003674931.2).
Genomic context (GRCh38, chr10:120,860,190, plus strand): 5'-AAGATGCTTCCCGCGATTTACTGCTTGCTATCCACCCGCCAAATTACATTGTGCTCTGGA[A>T]TGCCGACACTGGCACCAAACTATGGAAGAAGAGCTATGCAGATAACATTCTTTCTTTTTC-3'
Protein context (NP_060587.8, residues 135-155): IHPPNYIVLW[Asn145Ile]ADTGTKLWKK